The following is an entry in ClinVar:

NM_032656.4(DHX37):c.3197G>A (p.Arg1066Gln)

Gene: DHX37 (DEAH-box helicase 37; minus strand). Cytogenetic location: 12q24.31.
Variant type: single nucleotide variant.
Coding change: c.3197G>A on transcript NM_032656.4 (MANE Select); coding-DNA position 3197, G replaced by A.
Protein change: p.Arg1066Gln; replaces arginine 1066 with glutamine.
Molecular consequence: missense variant.
Genome position (GRCh38, 1-based): chr12:124,950,168, C>T on the plus strand (G>A on the coding strand, the complement: DHX37 is on the minus strand). VCF-style: chr12-124950168-C-T. GRCh37 (hg19) VCF-style: chr12-125434714-C-T.
Other names: short protein forms R1066Q.
Identifiers: ClinVar variation 2783318 (VCV002783318.3), dbSNP rs748556352, ClinGen allele CA6871320.
Genomic context (GRCh38, chr12:124,950,168, plus strand): 5'-CGGTACCCGAGATGAGGGTCTGGAGCCGCTGTGCCACCTACCTGCCCTTCCAGCAGGAAC[C>T]GGGCAAAGTGCTTGTAGCGGTCAATCCCCTCTGGAAAATCCACCTCGATGGCGGGGAGCG-3'
Protein context (NP_116045.2, residues 1056-1076): EGIDRYKHFA[Arg1066Gln]FLLEGQVFRK

ClinVar aggregate classification (germline): Uncertain significance (1 of 4 stars; one submission).

Allele frequency attached by ClinVar (database versions not stated): gnomAD exomes below 0.00001; ExAC 0.00001; gnomAD 0.00001; TOPMed 0.00001.
gnomAD v4.1: 8 of 1,613,962 alleles (0.0005%); highest among the groups gnomAD compares: African/African-American, 0.0027%; no homozygotes.

Submission:

Labcorp Genetics (formerly Invitae), Labcorp
Classification: Uncertain significance. Last evaluated: 2023-01-24. Review status: criteria provided, single submitter. Criteria: Invitae Variant Classification Sherloc (09022015). Collection method: clinical testing. Allele origin: germline.
Comment: In summary, the available evidence is currently insufficient to determine the role of this variant in disease. Therefore, it has been classified as a Variant of Uncertain Significance. Algorithms developed to predict the effect of missense changes on protein structure and function output the following: SIFT: "Tolerated"; PolyPhen-2: "Benign"; Align-GVGD: "Class C0". The glutamine amino acid residue is found in multiple mammalian species, which suggests that this missense change does not adversely affect protein function. This variant has not been reported in the literature in individuals affected with DHX37-related conditions. This variant is present in population databases (rs748556352, gnomAD 0.007%). This sequence change replaces arginine, which is basic and polar, with glutamine, which is neutral and polar, at codon 1066 of the DHX37 protein (p.Arg1066Gln).